The following is an entry in ClinVar:

NM_152416.4(NDUFAF6):c.648C>A (p.Cys216Ter)

Gene: NDUFAF6 (NADH:ubiquinone oxidoreductase complex assembly factor 6; plus strand). Cytogenetic location: 8q22.1.
Variant type: single nucleotide variant.
Coding change: c.648C>A on transcript NM_152416.4 (MANE Select); coding-DNA position 648, C replaced by A.
Protein change: p.Cys216Ter; replaces cysteine 216 with a stop codon.
Molecular consequence: nonsense. On other transcripts: non-coding transcript variant (5).
Genome position (GRCh38, 1-based): chr8:95,047,061, C>A. VCF-style: chr8-95047061-C-A. GRCh37 (hg19) VCF-style: chr8-96059289-C-A.
Other names: p.Cys216*; c.192C>A, p.Cys64Ter (NM_001354524.2, NM_001354525.2, NM_001354527.2 and 7 more transcripts); c.315C>A, p.Cys105Ter (NM_001354534.2, NM_001354517.2, NM_001354518.2 and 1 more transcripts); c.372C>A, p.Cys124Ter (NM_001330582.2, NM_001354514.2, NM_001354515.2 and 1 more transcripts); c.492C>A, p.Cys164Ter (NM_001354516.2); short protein forms C124*, C216*, C164*, C64*, C105*.
Identifiers: ClinVar variation 4541385 (VCV004541385.1).

ClinVar aggregate classification (germline): Likely pathogenic (1 of 4 stars; one submission).

Submission:

Mayo Clinic Laboratories, Mayo Clinic
Classification: Likely pathogenic. Last evaluated: 2025-08-20. Review status: criteria provided, single submitter. Criteria: ACMG Guidelines, 2015. Collection method: clinical testing. Allele origin: germline. Observed: 1 variant allele.
Comment: PM2_supporting, PVS1